The following is an entry in ClinVar:

ClinVar aggregate classification (germline): Uncertain significance. Review status: criteria provided, multiple submitters, no conflicts (2 of 4 stars). 2 submissions from 2 submitters: Uncertain significance (2). Last evaluated 2024-11-14.

Conditions:
Lynch syndrome 4 (LYNCH4). Also called: Colorectal cancer, hereditary nonpolyposis, type 4; Hereditary non-polyposis colorectal cancer, type 4. Identifiers: Orphanet 144, MedGen C1838333, MONDO:0013699, OMIM 614337. Disease mechanism: loss of function.

Submissions (2):

GeneDx
Classification: Uncertain significance. Last evaluated: 2024-11-14. Review status: criteria provided, single submitter. Criteria: GeneDx Variant Classification Process June 2021. Collection method: clinical testing. Allele origin: germline. Affected: yes.
Comment: Not observed at significant frequency in large population cohorts (gnomAD); In silico analysis indicates that this missense variant does not alter protein structure/function; Has not been previously published as pathogenic or benign to our knowledge

Mendelics
Classification: Uncertain significance for Lynch syndrome 4. Last evaluated: 2019-05-28. Review status: criteria provided, single submitter. Criteria: Mendelics Assertion Criteria 2017. Collection method: clinical testing. Allele origin: unknown.

NM_000535.7(PMS2):c.1564A>G (p.Ser522Gly)

Gene: PMS2 (PMS1 homolog 2, mismatch repair system component; minus strand). Cytogenetic location: 7p22.1.
Variant type: single nucleotide variant.
Coding change: c.1564A>G on transcript NM_000535.7 (MANE Select); coding-DNA position 1564, A replaced by G.
Protein change: p.Ser522Gly; replaces serine 522 with glycine.
Molecular consequence: missense variant. On other transcripts: non-coding transcript variant (1).
Genome position (GRCh38, 1-based): chr7:5,987,201, T>C on the plus strand (A>G on the coding strand, the complement: PMS2 is on the minus strand). VCF-style: chr7-5987201-T-C. GRCh37 (hg19) VCF-style: chr7-6026832-T-C.
Other names: c.1159A>G, p.Ser387Gly (NM_001322003.2, NM_001322004.2, NM_001322005.2 and 1 more transcripts); c.1408A>G, p.Ser470Gly (NM_001322006.2); c.1246A>G, p.Ser416Gly (NM_001322007.2, NM_001322008.2); c.1003A>G, p.Ser335Gly (NM_001322010.2); c.631A>G, p.Ser211Gly (NM_001322011.2, NM_001322012.2); c.991A>G, p.Ser331Gly (NM_001322013.2); c.1564A>G, p.Ser522Gly (NM_001322014.2); c.1255A>G, p.Ser419Gly (NM_001322015.2); and 1 more; short protein forms S335G, S387G, S416G, S522G, S331G, S470G, S211G, S419G.
Identifiers: ClinVar variation 802293 (VCV000802293.2), dbSNP rs1554297553, ClinGen allele CA366741580.
Genomic context (GRCh38, chr7:5,987,201, plus strand): 5'-TTTTAGGCGCTTTCTCCTGAGAGTCCACATGTTCCTGCGAGCCCCTGTCCCCTGGGGAGC[T>C]GGCCGCATACTCGCTGCTGCAGTGACTGCCCGTGTCTGGGATGCTGAACCCCTCAGAATC-3'
Protein context (NP_000526.2, residues 512-532): GSHCSSEYAA[Ser522Gly]SPGDRGSQEH